The following is an entry in ClinVar:

ClinVar aggregate classification (germline): Uncertain significance. Review status: criteria provided, multiple submitters, no conflicts (2 of 4 stars). 3 submissions from 3 submitters: Uncertain significance (3). Last evaluated 2023-12-12.

Conditions:
Inborn genetic diseases. Identifiers: MedGen C0950123, MeSH D030342.
Autosomal recessive mendelian susceptibility to mycobacterial diseases due to complete RORgamma receptor deficiency. Also called: Immunodeficiency 42. Identifiers: Orphanet 477857, MedGen C5567647, MONDO:0014710, OMIM 616622.

Allele frequency attached by ClinVar (database versions not stated): gnomAD 0.00001; ExAC 0.00005; gnomAD exomes 0.00005; TOPMed 0.00009.

Submissions (3):

Ambry Genetics
Classification: Uncertain significance for Inborn genetic diseases. Last evaluated: 2023-12-12. Review status: criteria provided, single submitter. Criteria: Ambry Variant Classification Scheme 2023. Collection method: clinical testing. Allele origin: germline.

Labcorp Genetics (formerly Invitae), Labcorp
Classification: Uncertain significance for Autosomal recessive mendelian susceptibility to mycobacterial diseases due to complete RORgamma receptor deficiency. Last evaluated: 2023-04-07. Review status: criteria provided, single submitter. Criteria: Invitae Variant Classification Sherloc (09022015). Collection method: clinical testing. Allele origin: germline.
Comment: In summary, the available evidence is currently insufficient to determine the role of this variant in disease. Therefore, it has been classified as a Variant of Uncertain Significance. Algorithms developed to predict the effect of missense changes on protein structure and function output the following: SIFT: "Not Available"; PolyPhen-2: "Benign"; Align-GVGD: "Not Available". The arginine amino acid residue is found in multiple mammalian species, which suggests that this missense change does not adversely affect protein function. ClinVar contains an entry for this variant (Variation ID: 941802). This variant has not been reported in the literature in individuals affected with RORC-related conditions. This variant is present in population databases (rs200851190, gnomAD 0.03%). This sequence change replaces glycine, which is neutral and non-polar, with arginine, which is basic and polar, at codon 156 of the RORC protein (p.Gly156Arg).

Blueprint Genetics
Classification: Uncertain significance. Last evaluated: 2022-11-03. Review status: criteria provided, single submitter. Criteria: ACMG Guidelines, 2015. Collection method: clinical testing. Allele origin: germline.

NM_005060.4(RORC):c.466G>A (p.Gly156Arg)

Gene: RORC (RAR related orphan receptor C; minus strand). Cytogenetic location: 1q21.3.
Variant type: single nucleotide variant.
Coding change: c.466G>A on transcript NM_005060.4 (MANE Select); coding-DNA position 466, G replaced by A.
Protein change: p.Gly156Arg; replaces glycine 156 with arginine.
Molecular consequence: missense variant.
Genome position (GRCh38, 1-based): chr1:151,815,258, C>T on the plus strand (G>A on the coding strand, the complement: RORC is on the minus strand). VCF-style: chr1-151815258-C-T. GRCh37 (hg19) VCF-style: chr1-151787734-C-T.
Other names: c.403G>A, p.Gly135Arg (NM_001001523.2); short protein forms G156R, G135R.
Identifiers: ClinVar variation 941802 (VCV000941802.9), dbSNP rs200851190, ClinGen allele CA1095914.
Genomic context (GRCh38, chr1:151,815,258, plus strand): 5'-GGCCAGGGGGACAGGCAGAAGCCTCAGGCAGGTCAGGCGAGGAGCCCAGGGGCAGCTGCC[C>T]GTCTGGGAGCCCCAAGGTGTAGGTGAGGGTATCTGCTCCTTGGGCCCCTGCTGGAGGGGT-3'
Protein context (NP_005051.2, residues 146-166): TLTYTLGLPD[Gly156Arg]QLPLGSSPDL